The following is an entry in ClinVar:

NM_001148.6(ANK2):c.1801C>A (p.His601Asn)

Gene: ANK2 (ankyrin 2; plus strand). Cytogenetic location: 4q26.
Variant type: single nucleotide variant.
Coding change: c.1801C>A on transcript NM_001148.6 (MANE Select); coding-DNA position 1801, C replaced by A.
Protein change: p.His601Asn; replaces histidine 601 with asparagine.
Molecular consequence: missense variant. On other transcripts: intron variant (10).
Genome position (GRCh38, 1-based): chr4:113,278,478, C>A. VCF-style: chr4-113278478-C-A. GRCh37 (hg19) VCF-style: chr4-114199634-C-A.
Other names: c.1801C>A, p.His601Asn (NM_001354265.2, NM_020977.5, NM_001354225.2 and 6 more transcripts); c.1714C>A, p.His572Asn (NM_001354266.2, NM_001354267.2, NM_001354274.2 and 10 more transcripts); c.1591C>A, p.His531Asn (NM_001354269.3); c.1738C>A, p.His580Asn (NM_001354272.2, NM_001354275.2, NM_001386143.1 and 10 more transcripts); c.1603C>A, p.His535Asn (NM_001354273.2); c.1516C>A, p.His506Asn (NM_001354277.2, NM_001386157.1); c.1846C>A, p.His616Asn (NM_001386144.1, NM_001386152.1, NM_001354230.2 and 5 more transcripts); c.1759C>A, p.His587Asn (NM_001386147.1, NM_001386160.1, NM_001354261.2); and 8 more; short protein forms H572N, H587N, H589N, H597N, H531N, H535N, H601N, H610N.
Identifiers: ClinVar variation 2565305 (VCV002565305.3), dbSNP rs2153700749, ClinGen allele CA357911859.

ClinVar aggregate classification (germline): Uncertain significance. Review status: criteria provided, multiple submitters, no conflicts (2 of 4 stars). 2 submissions from 2 submitters: Uncertain significance (2). Last evaluated 2024-10-28.

Conditions:
Cardiovascular phenotype. Identifiers: MedGen CN230736.

Submissions (2):

GeneDx
Classification: Uncertain significance. Last evaluated: 2024-10-28. Review status: criteria provided, single submitter. Criteria: GeneDx Variant Classification Process June 2021. Collection method: clinical testing. Allele origin: germline. Affected: yes.
Comment: Not observed at significant frequency in large population cohorts (gnomAD); In silico analysis supports that this missense variant has a deleterious effect on protein structure/function; Has not been previously published as pathogenic or benign to our knowledge

Ambry Genetics
Classification: Uncertain significance for Cardiovascular phenotype. Last evaluated: 2023-04-18. Review status: criteria provided, single submitter. Criteria: Ambry Variant Classification Scheme 2023. Collection method: clinical testing. Allele origin: germline.
Comment: The p.H601N variant (also known as c.1801C>A), located in coding exon 17 of the ANK2 gene, results from a C to A substitution at nucleotide position 1801. The histidine at codon 601 is replaced by asparagine, an amino acid with similar properties. This amino acid position is conserved. In addition, the in silico prediction for this alteration is inconclusive. Since supporting evidence is limited at this time, the clinical significance of this alteration remains unclear.